The following is an entry in ClinVar:

ClinVar aggregate classification (germline): Uncertain significance. Review status: criteria provided, multiple submitters, no conflicts (2 of 4 stars). 2 submissions from 2 submitters: Uncertain significance (2). Last evaluated 2025-10-01.

Conditions:
Hereditary cancer-predisposing syndrome. Also called: Neoplastic Syndromes, Hereditary; Tumor predisposition; Hereditary Cancer Syndrome; Hereditary neoplastic syndrome. Identifiers: Orphanet 140162, MedGen C0027672, MeSH D009386, MONDO:0015356.
Bloom syndrome (BLM). Also called: Bloom-Torre-Machacek syndrome. Identifiers: Orphanet 125, MedGen C0005859, MONDO:0008876, OMIM 210900.

Allele frequency attached by ClinVar (database versions not stated): gnomAD 0.00001.
gnomAD v4.1: 2 of 1,532,140 alleles (0.00013%); highest among the groups gnomAD compares: Non-Finnish European, 0.00017%; no homozygotes.

Submissions (2):

Labcorp Genetics (formerly Invitae), Labcorp
Classification: Uncertain significance for Bloom syndrome. Last evaluated: 2025-10-01. Review status: criteria provided, single submitter. Criteria: Invitae Variant Classification Sherloc (09022015). Collection method: clinical testing. Allele origin: germline.
Comment: This sequence change replaces arginine, which is basic and polar, with glycine, which is neutral and non-polar, at codon 591 of the BLM protein (p.Arg591Gly). This variant is not present in population databases (gnomAD no frequency). This variant has not been reported in the literature in individuals affected with BLM-related conditions. ClinVar contains an entry for this variant (Variation ID: 1779803). Invitae Evidence Modeling of protein sequence and biophysical properties (such as structural, functional, and spatial information, amino acid conservation, physicochemical variation, residue mobility, and thermodynamic stability) indicates that this missense variant is not expected to disrupt BLM protein function with a negative predictive value of 80%. In summary, the available evidence is currently insufficient to determine the role of this variant in disease. Therefore, it has been classified as a Variant of Uncertain Significance.

Ambry Genetics
Classification: Uncertain significance for Hereditary cancer-predisposing syndrome. Last evaluated: 2025-09-10. Review status: criteria provided, single submitter. Criteria: Ambry Variant Classification Scheme 2023. Collection method: clinical testing. Allele origin: germline.
Comment: The p.R591G variant (also known as c.1771C>G), located in coding exon 6 of the BLM gene, results from a C to G substitution at nucleotide position 1771. The arginine at codon 591 is replaced by glycine, an amino acid with dissimilar properties. This amino acid position is conserved. In addition, this alteration is predicted to be tolerated by in silico analysis. Since supporting evidence is limited at this time, the clinical significance of this alteration remains unclear.

NM_000057.4(BLM):c.1771C>G (p.Arg591Gly)

Gene: BLM (BLM RecQ like helicase; plus strand). Cytogenetic location: 15q26.1.
Variant type: single nucleotide variant.
Coding change: c.1771C>G on transcript NM_000057.4 (MANE Select); coding-DNA position 1771, C replaced by G.
Protein change: p.Arg591Gly; replaces arginine 591 with glycine.
Molecular consequence: missense variant.
Genome position (GRCh38, 1-based): chr15:90,761,144, C>G. VCF-style: chr15-90761144-C-G. GRCh37 (hg19) VCF-style: chr15-91304374-C-G.
Other names: c.1771C>G, p.Arg591Gly (NM_001287246.2, NM_001287247.2); c.646C>G, p.Arg216Gly (NM_001287248.2); short protein forms R216G, R591G.
Identifiers: ClinVar variation 1779803 (VCV001779803.8), dbSNP rs777647725, ClinGen allele CA393843809.
Genomic context (GRCh38, chr15:90,761,144, plus strand): 5'-ATGCATAATTTAGCAGCCAGCAAATCTTCCACAGCTGCCTATCAACCCATCAAGGAAGGT[C>G]GGCCAATTAAATCAGTATCAGAAAGACTTTCCTCAGCCAAGACAGACTGTCTTCCAGTGT-3'
Protein context (NP_000048.1, residues 581-601): TAAYQPIKEG[Arg591Gly]PIKSVSERLS